The following is an entry in ClinVar:

ClinVar aggregate classification (germline): Benign/Likely benign. Review status: criteria provided, multiple submitters, no conflicts (2 of 4 stars). 3 submissions from 3 submitters: Benign (1); Likely benign (2). Last evaluated 2026-06-18.

Conditions:
Polyps, multiple and recurrent inflammatory fibroid, gastrointestinal. Identifiers: MedGen C5193005, MONDO:0008285, OMIM 175510.
Gastrointestinal stromal tumor. Also called: Gastrointestinal stromal tumor, somatic; Gastrointestinal stroma tumor. Identifiers: Orphanet 44890, MedGen C0238198, MeSH D046152, MONDO:0011719, OMIM 606764, HP:0100723.
Hereditary cancer-predisposing syndrome. Also called: Neoplastic Syndromes, Hereditary; Hereditary Cancer Syndrome; Hereditary neoplastic syndrome; Tumor predisposition. Identifiers: Orphanet 140162, MedGen C0027672, MeSH D009386, MONDO:0015356.

Allele frequency attached by ClinVar (database versions not stated): gnomAD exomes below 0.00001; gnomAD 0.00001.
gnomAD v4.1: 3 of 1,613,754 alleles (0.00019%); highest among the groups gnomAD compares: African/African-American, 0.0027%; no homozygotes.

Submissions (3):

Myriad Genetics, Inc.
Classification: Benign for Polyps, multiple and recurrent inflammatory fibroid, gastrointestinal. Last evaluated: 2026-06-18. Review status: criteria provided, single submitter. Criteria: Myriad Autosomal Dominant, Autosomal Recessive and X-Linked Classification Criteria (2023). Collection method: clinical testing. Allele origin: unknown.
Comment: This variant is considered benign. This variant is a silent/synonymous amino acid change and it is not expected to impact splicing.

Labcorp Genetics (formerly Invitae), Labcorp
Classification: Likely benign for Gastrointestinal stromal tumor. Last evaluated: 2025-02-23. Review status: criteria provided, single submitter. Criteria: Invitae Variant Classification Sherloc (09022015). Collection method: clinical testing. Allele origin: germline.

Ambry Genetics
Classification: Likely benign for Hereditary cancer-predisposing syndrome. Last evaluated: 2023-12-29. Review status: criteria provided, single submitter. Criteria: Ambry Variant Classification Scheme 2023. Collection method: clinical testing. Allele origin: germline.

NM_006206.6(PDGFRA):c.3180C>T (p.Ile1060=)

Gene: PDGFRA (platelet derived growth factor receptor alpha; plus strand). Cytogenetic location: 4q12.
Variant type: single nucleotide variant.
Coding change: c.3180C>T on transcript NM_006206.6 (MANE Select); coding-DNA position 3180, C replaced by T.
Protein change: p.Ile1060=; no amino-acid change (isoleucine 1060 retained).
Molecular consequence: synonymous variant.
Genome position (GRCh38, 1-based): chr4:54,295,182, C>T. VCF-style: chr4-54295182-C-T. GRCh37 (hg19) VCF-style: chr4-55161349-C-T.
Other names: c.3255C>T, p.Ile1085= (NM_001347828.2); c.3180C>T, p.Ile1060= (NM_001347829.2); c.3219C>T, p.Ile1073= (NM_001347830.2).
Identifiers: ClinVar variation 739726 (VCV000739726.13), dbSNP rs1577755636, ClinGen allele CA439287741.
Genomic context (GRCh38, chr4:54,295,182, plus strand): 5'-CAGCTCGCAGACCTCTGAAGAGAGTGCCATTGAGACGGGTTCCAGCAGTTCCACCTTCAT[C>T]AAGAGAGAGGACGAGACCATTGAAGACATCGACATGATGGATGACATCGGCATAGACTCT-3'
Protein context (NP_006197.1, residues 1050-1070): IETGSSSSTF[Ile1060=]KREDETIEDI